The following is an entry in ClinVar:

ClinVar aggregate classification (germline): Uncertain significance. Review status: criteria provided, multiple submitters, no conflicts (2 of 4 stars). 2 submissions from 2 submitters: Uncertain significance (2). Last evaluated 2024-12-05.

Conditions:
Inborn genetic diseases. Identifiers: MedGen C0950123, MeSH D030342.

Allele frequency attached by ClinVar (database versions not stated): TOPMed below 0.00001.
gnomAD v4.1: 11 of 1,613,390 alleles (0.00068%); highest among the groups gnomAD compares: Non-Finnish European, 0.00093%; no homozygotes.

Submissions (2):

Ambry Genetics
Classification: Uncertain significance for Inborn genetic diseases. Last evaluated: 2024-12-05. Review status: criteria provided, single submitter. Criteria: Ambry Variant Classification Scheme 2023. Collection method: clinical testing. Allele origin: germline.
Comment: The p.P251S variant (also known as c.751C>T), located in coding exon 8 of the DDX41 gene, results from a C to T substitution at nucleotide position 751. The proline at codon 251 is replaced by serine, an amino acid with similar properties. This amino acid position is highly conserved in available vertebrate species. In addition, the in silico prediction for this alteration is inconclusive. Based on the available evidence, the clinical significance of this variant remains unclear.

GeneDx
Classification: Uncertain significance. Last evaluated: 2022-12-02. Review status: criteria provided, single submitter. Criteria: GeneDx Variant Classification Process June 2021. Collection method: clinical testing. Allele origin: germline. Affected: yes.
Comment: Not observed at significant frequency in large population cohorts (gnomAD); In silico analysis supports that this missense variant has a deleterious effect on protein structure/function; Observed in individuals with anemia or CLL with no family history of cancer (Li et al., 2022); This variant is associated with the following publications: (PMID: 27721487, 35671390)

NM_016222.4(DDX41):c.751C>T (p.Pro251Ser)

Gene: DDX41 (DEAD-box helicase 41; minus strand). Cytogenetic location: 5q35.3.
Variant type: single nucleotide variant.
Coding change: c.751C>T on transcript NM_016222.4 (MANE Select); coding-DNA position 751, C replaced by T.
Protein change: p.Pro251Ser; replaces proline 251 with serine.
Molecular consequence: missense variant.
Genome position (GRCh38, 1-based): chr5:177,514,963, G>A on the plus strand (C>T on the coding strand, the complement: DDX41 is on the minus strand). VCF-style: chr5-177514963-G-A. GRCh37 (hg19) VCF-style: chr5-176941964-G-A.
Other names: c.373C>T, p.Pro125Ser (NM_001321732.2, NM_001321830.2); short protein forms P251S, P125S.
Identifiers: ClinVar variation 2218264 (VCV002218264.4), dbSNP rs747842313, ClinGen allele CA132892244.